The following is an entry in ClinVar:

ClinVar aggregate classification (germline): Likely benign. Review status: criteria provided, multiple submitters, no conflicts (2 of 4 stars). 4 submissions from 4 submitters: Likely benign (3). 1 of the submissions does not count toward it. Last evaluated 2025-05-01.

Conditions:
SLC6A20-related disorder. Also called: SLC6A20-related condition.
Hyperglycinuria. Also called: GLYCINURIA WITH OR WITHOUT OXALATE NEPHROLITHIASIS; GLYCINURIA WITH OR WITHOUT OXALATE UROLITHIASIS; IMINOGLYCINURIA TYPE II. Identifiers: MedGen C0543541, MONDO:0007677, OMIM 138500, HP:0003108.

Allele frequency attached by ClinVar (database versions not stated): gnomAD exomes 0.00063 and 0.00126; ExAC 0.00133; ESP Exome Variant Server 0.00254; gnomAD 0.00262 and 0.00270; TOPMed 0.00301; 1000 Genomes Project 30x 0.00312; 1000 Genomes Project 0.00339.

Submissions (4):

CeGaT Center for Human Genetics Tuebingen
Classification: Likely benign. Last evaluated: 2025-05-01. Review status: criteria provided, single submitter. Criteria: CeGaT Center For Human Genetics Tuebingen Variant Classification Criteria Version 2. Collection method: clinical testing. Allele origin: germline. Affected: yes. Observed: 1 variant allele.
Comment: SLC6A20: BP4, BS2

Blueprint Genetics
Classification: Likely benign. Last evaluated: 2024-10-09. Review status: criteria provided, single submitter. Criteria: ACMG Guidelines, 2015. Collection method: clinical testing. Allele origin: germline.

Illumina Laboratory Services, Illumina
Classification: Likely benign for Hyperglycinuria. Last evaluated: 2018-01-12. Review status: criteria provided, single submitter. Criteria: ICSL Variant Classification Criteria 13 December 2019. Collection method: clinical testing. Allele origin: germline.
Comment: This variant was observed in the ICSL laboratory as part of a predisposition screen in an ostensibly healthy population. It had not been previously curated by ICSL or reported in the Human Gene Mutation Database (HGMD: prior to June 1st, 2018), and was therefore a candidate for classification through an automated scoring system. Utilizing variant allele frequency, disease prevalence and penetrance estimates, and inheritance mode, an automated score was calculated to assess if this variant is too frequent to cause the disease. Based on the score and internal cut-off values, a variant classified as likely benign is not then subjected to further curation. The score for this variant resulted in a classification of likely benign for this disease.

PreventionGenetics, part of Exact Sciences
Classification: Benign for SLC6A20-related condition. Last evaluated: 2020-01-03. Review status: no assertion criteria provided. Collection method: clinical testing. Allele origin: germline. Not counted in ClinVar's aggregate classification.
Comment: This variant is classified as benign based on ACMG/AMP sequence variant interpretation guidelines (Richards et al. 2015 PMID: 25741868, with internal and published modifications).

NM_020208.4(SLC6A20):c.1058C>T (p.Pro353Leu)

Gene: SLC6A20 (solute carrier family 6 member 20; minus strand). Cytogenetic location: 3p21.31.
Variant type: single nucleotide variant.
Coding change: c.1058C>T on transcript NM_020208.4 (MANE Select); coding-DNA position 1058, C replaced by T.
Protein change: p.Pro353Leu; replaces proline 353 with leucine.
Molecular consequence: missense variant.
Genome position (GRCh38, 1-based): chr3:45,770,249, G>A on the plus strand (C>T on the coding strand, the complement: SLC6A20 is on the minus strand). VCF-style: chr3-45770249-G-A. GRCh37 (hg19) VCF-style: chr3-45811741-G-A.
Other names: c.947C>T, p.Pro316Leu (NM_022405.4); short protein forms P316L, P353L.
Identifiers: ClinVar variation 899716 (VCV000899716.17), dbSNP rs145795590, ClinGen allele CA2351433.